The following is an entry in ClinVar:

ClinVar aggregate classification (germline): Pathogenic. Review status: reviewed by expert panel (3 of 4 stars). 11 submissions from 11 submitters: Pathogenic (1). 10 of the submissions do not count toward it. Last evaluated 2016-04-22.

Conditions:
Hereditary cancer-predisposing syndrome. Also called: Neoplastic Syndromes, Hereditary; Hereditary neoplastic syndrome; Hereditary Cancer Syndrome; Tumor predisposition. Identifiers: Orphanet 140162, MedGen C0027672, MeSH D009386, MONDO:0015356.
Familial pancreatic carcinoma. Identifiers: Orphanet 1333, MedGen C2931038, MONDO:0015278, OMIM 260350.
Hereditary breast ovarian cancer syndrome. Also called: Hereditary breast and/or ovarian cancer syndrome; Hereditary breast and ovarian cancer syndrome (HBOC); Breast and ovarian cancer; Hereditary breast and ovarian cancer syndrome; Hereditary breast and ovarian cancer; BRCA1- and BRCA2-Associated Hereditary Breast and Ovarian Cancer. Identifiers: Orphanet 145, MedGen C0677776, MeSH D061325, MONDO:0003582. Disease mechanism: loss of function.
Breast-ovarian cancer, familial, susceptibility to, 2 (BROVCA2). Also called: BRCA2 Hereditary Breast and Ovarian Cancer. Identifiers: Orphanet 145, MedGen C2675520, MONDO:0012933, OMIM 612555. Disease mechanism: loss of function.

Allele frequency attached by ClinVar (database versions not stated): gnomAD exomes below 0.00001.

Submissions (11):

Evidence-based Network for the Interpretation of Germline Mutant Alleles (ENIGMA)
Classification: Pathogenic for Breast-ovarian cancer, familial, susceptibility to, 2. Last evaluated: 2016-04-22. Review status: reviewed by expert panel. Criteria: ENIGMA BRCA1/2 Classification Criteria (2015). Collection method: curation. Allele origin: germline.
Comment: Variant allele predicted to encode a truncated non-functional protein.

Women's Health and Genetics/Laboratory Corporation of America, LabCorp
Classification: Pathogenic for Hereditary breast ovarian cancer syndrome. Last evaluated: 2026-05-19. Review status: criteria provided, single submitter. Criteria: LabCorp Variant Classification Summary - May 2015. Collection method: clinical testing. Allele origin: germline. Not counted in ClinVar's aggregate classification.
Comment: Variant summary: BRCA2 c.7360delA (p.Ile2454PhefsX13) results in a premature termination codon, predicted to cause a truncation of the encoded protein or absence of the protein due to nonsense mediated decay, which are commonly known mechanisms for disease. The variant was absent in 251550 control chromosomes. c.7360delA has been observed in individual(s) affected with BRCA2-related conditions (e.g. Hondow_2011, Malone_2006). These data indicate that the variant may be associated with disease. To our knowledge, no experimental evidence demonstrating an impact on protein function has been reported. The following publications have been ascertained in the context of this evaluation (PMID: 21702907, 16912212). ClinVar contains an entry for this variant (Variation ID: 52312). Based on the evidence outlined above, the variant was classified as pathogenic.

Labcorp Genetics (formerly Invitae), Labcorp
Classification: Pathogenic for Hereditary breast ovarian cancer syndrome. Last evaluated: 2025-06-06. Review status: criteria provided, single submitter. Criteria: Invitae Variant Classification Sherloc (09022015). Collection method: clinical testing. Allele origin: germline. Not counted in ClinVar's aggregate classification.
Comment: This sequence change creates a premature translational stop signal (p.Ile2454Phefs*15) in the BRCA2 gene. It is expected to result in an absent or disrupted protein product. Loss-of-function variants in BRCA2 are known to be pathogenic (PMID: 20104584). This variant is not present in population databases (gnomAD no frequency). This premature translational stop signal has been observed in individual(s) with BRCA2-related conditions (PMID: 21520333). ClinVar contains an entry for this variant (Variation ID: 52312). RNA analysis performed to evaluate the impact of this premature translational stop signal on mRNA splicing indicates it does not significantly alter splicing (internal data). For these reasons, this variant has been classified as Pathogenic.

Quest Diagnostics Nichols Institute San Juan Capistrano
Classification: Pathogenic. Last evaluated: 2024-08-01. Review status: criteria provided, single submitter. Criteria: Quest Diagnostics criteria. Collection method: clinical testing. Allele origin: unknown. Not counted in ClinVar's aggregate classification.
Comment: The BRCA2 c.7360del (p.Ile2454Phefs*15) variant alters the translational reading frame of the BRCA2 mRNA and causes the premature termination of BRCA2 protein synthesis. This variant has been reported in the published literature in individuals with breast cancer (PMID: 16912212 (2006), 29371908 (2018), 33471991 (2021), see also LOVD). This variant has not been reported in large, multi-ethnic general populations (Genome Aggregation Database). Based on the available information, this variant is classified as pathogenic.

Ambry Genetics
Classification: Pathogenic for Hereditary cancer-predisposing syndrome. Last evaluated: 2024-05-27. Review status: criteria provided, single submitter. Criteria: Ambry Variant Classification Scheme 2023. Collection method: clinical testing. Allele origin: germline. Not counted in ClinVar's aggregate classification.
Comment: The c.7360delA pathogenic mutation, located in coding exon 13 of the BRCA2 gene, results from a deletion of one nucleotide at nucleotide position 7360, causing a translational frameshift with a predicted alternate stop codon (p.I2454Ffs*15). This mutation (designated as 7588delA) was observed in 1/1628 women with breast cancer and 0/674 controls in a population-based case-control study (Malone KE et al. Cancer Res. 2006 Aug;66(16):8297-308). In addition to the clinical data presented in the literature, this alteration is expected to result in loss of function by premature protein truncation or nonsense-mediated mRNA decay. As such, this alteration is interpreted as a disease-causing mutation.

Department of Pathology and Laboratory Medicine, Sinai Health System
Classification: Pathogenic for Familial pancreatic carcinoma. Last evaluated: 2023-04-24. Review status: criteria provided, single submitter. Criteria: ACMG Guidelines, 2015. Collection method: clinical testing. Allele origin: germline. Affected: yes. Not counted in ClinVar's aggregate classification.

Color Diagnostics, LLC DBA Color Health
Classification: Pathogenic for Hereditary cancer-predisposing syndrome. Last evaluated: 2020-01-15. Review status: criteria provided, single submitter. Criteria: ACMG Guidelines, 2015. Collection method: clinical testing. Allele origin: germline. Not counted in ClinVar's aggregate classification.
Comment: This variant deletes 1 nucleotide in exon 14 of the BRCA2 gene, creating a frameshift and premature translation stop signal. This variant is expected to result in an absent or non-functional protein product. This variant has not been identified in the general population by the Genome Aggregation Database (gnomAD). Loss of BRCA2 function is a known mechanism of disease. Based on the available evidence, this variant is classified as Pathogenic.

Laboratory for Molecular Medicine, Mass General Brigham Personalized Medicine
Classification: Pathogenic for Hereditary breast ovarian cancer syndrome. Last evaluated: 2019-10-14. Review status: criteria provided, single submitter. Criteria: ACMG Guidelines, 2015. Collection method: clinical testing. Allele origin: germline. Not counted in ClinVar's aggregate classification.
Comment: The p.Ile2454PhefsX13 variant in BRCA2 has been reported in 2 individuals with breast cancer (BIC database) and was absent from large population studies. This variant is predicted to cause a frameshift, which alters the protein’s amino acid sequence beginning at position 2454 and leads to a premature termination codon 13 amino acids downstream. This alteration is then predicted to lead to a truncated or absent protein. Loss of function of the BRCA2 gene is an established disease mechanism in autosomal dominant HBOC. Additionally, this variant was classified as Pathogenic on Apr 22, 2016 by the ClinGen-approved ENIGMA expert panel (Variation ID: 52312). In summary, this variant meets criteria to be classified as pathogenic for autosomal dominant HBOC. ACMG/AMP Criteria applied: PVS1, PM2, PS4_Supporting.

GeneDx
Classification: Pathogenic. Last evaluated: 2019-06-24. Review status: criteria provided, single submitter. Criteria: GeneDx Variant Classification Process June 2021. Collection method: clinical testing. Allele origin: germline. Affected: yes. Not counted in ClinVar's aggregate classification.
Comment: Frameshift variant predicted to result in protein truncation or nonsense mediated decay in a gene for which loss-of-function is a known mechanism of disease; Not observed in large population cohorts (Lek et al., 2016); Reported as pathogenic in ClinVar but additional evidence is not available [ClinVar SCV000282441.1; Landrum et al., 2016]; This variant is associated with the following publications: (PMID: 21702907)

Consortium of Investigators of Modifiers of BRCA1/2 (CIMBA), c/o University of Cambridge
Classification: Pathogenic for Breast-ovarian cancer, familial, susceptibility to, 2. Last evaluated: 2015-10-02. Review status: criteria provided, single submitter. Criteria: CIMBA Mutation Classification guidelines May 2016. Collection method: clinical testing. Allele origin: germline. Not counted in ClinVar's aggregate classification.

Breast Cancer Information Core (BIC) (BRCA2)
Classification: Pathogenic for Breast-ovarian cancer, familial 2. Last evaluated: 1999-04-13. Review status: no assertion criteria provided. Collection method: clinical testing. Allele origin: germline. Affected: yes. Observed: 2 variant alleles. Not counted in ClinVar's aggregate classification.

Literature cited by the submitters: PubMed 21702907 (cited by 3 submitters); PubMed 16912212 (cited by 3 submitters); PubMed 20104584 (cited by Labcorp Genetics (formerly Invitae), Labcorp); PubMed 21520333 (cited by Labcorp Genetics (formerly Invitae), Labcorp); PubMed 33471991 (cited by Quest Diagnostics Nichols Institute San Juan Capistrano); PubMed 29446198 (cited by Quest Diagnostics Nichols Institute San Juan Capistrano); PubMed 31892343 (cited by Quest Diagnostics Nichols Institute San Juan Capistrano); PubMed 29371908 (cited by Quest Diagnostics Nichols Institute San Juan Capistrano and Ambry Genetics).

NM_000059.4(BRCA2):c.7360del (p.Ile2454fs)

Gene: BRCA2 (BRCA2 DNA repair associated; plus strand). Cytogenetic location: 13q13.1.
Variant type: Deletion.
Coding change: c.7360del on transcript NM_000059.4 (MANE Select); coding-DNA position 7360, one base deleted (A; older notation c.7360delA).
Protein change: p.Ile2454fs; shifts the reading frame from isoleucine 2454.
Molecular consequence: frameshift variant.
Genome position (GRCh38, 1-based): chr13:32,355,213, A deleted. VCF-style (leftmost placement, unchanged base first): chr13-32355212-GA-G. GRCh37 (hg19) VCF-style: chr13-32929349-GA-G.
Other names: 7588delA; c.7360delA (NM_000059.3).
Identifiers: ClinVar variation 52312 (VCV000052312.29), dbSNP rs80359646, ClinGen allele CA025043.